The following is an entry in ClinVar:

NM_000628.5(IL10RB):c.584T>C (p.Leu195Pro)

Genes: IL10RB (interleukin 10 receptor subunit beta; plus strand), IFNAR2-IL10RB (IFNAR2-IL10RB readthrough; plus strand). Cytogenetic location: 21q22.11.
Variant type: single nucleotide variant.
Coding change: c.584T>C on transcript NM_000628.5 (MANE Select); coding-DNA position 584, T replaced by C.
Protein change: p.Leu195Pro; replaces leucine 195 with proline.
Molecular consequence: missense variant. On other transcripts: non-coding transcript variant (1).
Genome position (GRCh38, 1-based): chr21:33,283,179, T>C. VCF-style: chr21-33283179-T-C. GRCh37 (hg19) VCF-style: chr21-34655484-T-C.
Other names: c.1244T>C, p.Leu415Pro (NM_001414505.1); c.584T>C, p.Leu195Pro (NM_001405849.1, NM_001405850.1, NM_001406840.1); short protein forms L195P, L415P.
Identifiers: ClinVar variation 2195582 (VCV002195582.4), dbSNP rs746703321, ClinGen allele CA10006168.
Genomic context (GRCh38, chr21:33,283,179, plus strand): 5'-TTGAGGTCCTCAGAAACCTGGAGCCATGGACAACTTATTGTGTTCAAGTTCGAGGGTTTC[T>C]TCCTGATCGGAACAAAGCTGGGGAATGGAGTGAGCCTGTCTGTGAGCAAACAACCCATGA-3'
Protein context (NP_000619.3, residues 185-205): TTYCVQVRGF[Leu195Pro]PDRNKAGEWS

ClinVar aggregate classification (germline): Uncertain significance (1 of 4 stars; one submission).

Conditions:
Inflammatory bowel disease 25. Also called: Inflammatory bowel disease 25, early onset, autosomal recessive. Identifiers: Orphanet 238569, MedGen C2675508, MONDO:0012941, OMIM 612567.

Allele frequency attached by ClinVar (database versions not stated): TOPMed below 0.00001; ExAC 0.00002.
gnomAD v4.1: 1 of 1,614,170 alleles (0.000062%); highest among the groups gnomAD compares: Non-Finnish European, 0.000085%; no homozygotes.

Submission:

Labcorp Genetics (formerly Invitae), Labcorp
Classification: Uncertain significance for Inflammatory bowel disease 25. Last evaluated: 2021-12-18. Review status: criteria provided, single submitter. Criteria: Invitae Variant Classification Sherloc (09022015). Collection method: clinical testing. Allele origin: germline.
Comment: This sequence change replaces leucine, which is neutral and non-polar, with proline, which is neutral and non-polar, at codon 195 of the IL10RB protein (p.Leu195Pro). This variant is present in population databases (rs746703321, gnomAD 0.002%). This variant has not been reported in the literature in individuals affected with IL10RB-related conditions. Algorithms developed to predict the effect of missense changes on protein structure and function are either unavailable or do not agree on the potential impact of this missense change (SIFT: "Deleterious"; PolyPhen-2: "Probably Damaging"; Align-GVGD: "Class C0"). In summary, the available evidence is currently insufficient to determine the role of this variant in disease. Therefore, it has been classified as a Variant of Uncertain Significance.